The following is an entry in ClinVar:

ClinVar aggregate classification (germline): Uncertain significance (1 of 4 stars; one submission).

Conditions:
Hypertrophic cardiomyopathy 26. Also called: Cardiomyopathy, familial hypertrophic, 26. Identifiers: Orphanet 75249, MedGen C4310749, MONDO:0014883, OMIM 617047.
Myofibrillar myopathy 5. Also called: FILAMINOPATHY, AUTOSOMAL DOMINANT; Filaminopathy (type). Identifiers: Orphanet 171445, MedGen C1836050, MONDO:0012289, OMIM 609524.
Distal myopathy with posterior leg and anterior hand involvement. Also called: WILLIAMS DISTAL MYOPATHY. Identifiers: Orphanet 63273, MedGen C3279722, MONDO:0013550, OMIM 614065.

Submission:

Labcorp Genetics (formerly Invitae), Labcorp
Classification: Uncertain significance for Distal myopathy with posterior leg and anterior hand involvement; Myofibrillar myopathy 5; Hypertrophic cardiomyopathy 26. Last evaluated: 2021-07-28. Review status: criteria provided, single submitter. Criteria: Invitae Variant Classification Sherloc (09022015). Collection method: clinical testing. Allele origin: germline.
Comment: This variant has not been reported in the literature in individuals with FLNC-related disease. This variant is not present in population databases (ExAC no frequency). This sequence change replaces proline with serine at codon 1144 of the FLNC protein (p.Pro1144Ser). The proline residue is moderately conserved and there is a moderate physicochemical difference between proline and serine. Algorithms developed to predict the effect of missense changes on protein structure and function are either unavailable or do not agree on the potential impact of this missense change (SIFT: "Deleterious"; PolyPhen-2: "Probably Damaging"; Align-GVGD: "Class C0"). In summary, the available evidence is currently insufficient to determine the role of this variant in disease. Therefore, it has been classified as a Variant of Uncertain Significance.

NM_001458.5(FLNC):c.3430C>T (p.Pro1144Ser)

Gene: FLNC (filamin C; plus strand). Cytogenetic location: 7q32.1.
Variant type: single nucleotide variant.
Coding change: c.3430C>T on transcript NM_001458.5 (MANE Select); coding-DNA position 3430, C replaced by T.
Protein change: p.Pro1144Ser; replaces proline 1144 with serine.
Molecular consequence: missense variant.
Genome position (GRCh38, 1-based): chr7:128,844,895, C>T. VCF-style: chr7-128844895-C-T. GRCh37 (hg19) VCF-style: chr7-128484949-C-T.
Other names: c.3430C>T, p.Pro1144Ser (NM_001127487.2); short protein forms P1144S.
Identifiers: ClinVar variation 653374 (VCV000653374.9), dbSNP rs1585160095, ClinGen allele CA369196861.
Genomic context (GRCh38, chr7:128,844,895, plus strand): 5'-ACGGAGCCTGGCGAGTACACCATCAACATCCTGTTTGCTGAGGCCCACATCCCTGGCTCG[C>T]CCTTCAAAGCCACCATTCGGCCTGTGTTTGACCCGAGCAAGGTGCGGGCCAGTGGACCGG-3'
Protein context (NP_001449.3, residues 1134-1154): LFAEAHIPGS[Pro1144Ser]FKATIRPVFD